The following is an entry in ClinVar:

ClinVar aggregate classification (germline): Likely benign. Review status: criteria provided, single submitter (1 of 4 stars). 2 submissions from 2 submitters: Likely benign (1). 1 of the submissions does not count toward it. Last evaluated 2024-08-30.

Conditions:
SYNE2-related disorder. Also called: SYNE2-related condition.
Emery-Dreifuss muscular dystrophy 5, autosomal dominant (EDMD5). Also called: EMERY-DREIFUSS MUSCULAR DYSTROPHY 5. Identifiers: Orphanet 261, MedGen C2751805, MONDO:0013072, OMIM 612999.

Allele frequency attached by ClinVar (database versions not stated): gnomAD exomes 0.00001; gnomAD 0.00002; TOPMed 0.00002.
gnomAD v4.1: 23 of 1,614,046 alleles (0.0014%); highest among the groups gnomAD compares: Non-Finnish European, 0.0018%; no homozygotes.

Submissions (2):

Labcorp Genetics (formerly Invitae), Labcorp
Classification: Likely benign for Emery-Dreifuss muscular dystrophy 5, autosomal dominant. Last evaluated: 2024-08-30. Review status: criteria provided, single submitter. Criteria: Invitae Variant Classification Sherloc (09022015). Collection method: clinical testing. Allele origin: germline.

PreventionGenetics, part of Exact Sciences
Classification: Likely benign for SYNE2-related condition. Last evaluated: 2019-09-05. Review status: no assertion criteria provided. Collection method: clinical testing. Allele origin: germline. Not counted in ClinVar's aggregate classification.
Comment: This variant is classified as likely benign based on ACMG/AMP sequence variant interpretation guidelines (Richards et al. 2015 PMID: 25741868, with internal and published modifications).

NM_182914.3(SYNE2):c.12198C>T (p.Asn4066=)

Gene: SYNE2 (spectrin repeat containing nuclear envelope protein 2; plus strand). Cytogenetic location: 14q23.2.
Variant type: single nucleotide variant.
Coding change: c.12198C>T on transcript NM_182914.3 (MANE Select); coding-DNA position 12198, C replaced by T.
Protein change: p.Asn4066=; no amino-acid change (asparagine 4066 retained).
Molecular consequence: synonymous variant.
Genome position (GRCh38, 1-based): chr14:64,098,038, C>T. VCF-style: chr14-64098038-C-T. GRCh37 (hg19) VCF-style: chr14-64564756-C-T.
Other names: c.12198C>T, p.Asn4066= (NM_015180.6).
Identifiers: ClinVar variation 3052414 (VCV003052414.4), dbSNP rs952227221, ClinGen allele CA261820591.